The following is an entry in ClinVar:

NM_000548.5(TSC2):c.2348C>T (p.Thr783Ile)

Gene: TSC2 (TSC complex subunit 2; plus strand). Cytogenetic location: 16p13.3.
Variant type: single nucleotide variant.
Coding change: c.2348C>T on transcript NM_000548.5 (MANE Select); coding-DNA position 2348, C replaced by T.
Protein change: p.Thr783Ile; replaces threonine 783 with isoleucine.
Molecular consequence: missense variant.
Genome position (GRCh38, 1-based): chr16:2,072,976, C>T. VCF-style: chr16-2072976-C-T. GRCh37 (hg19) VCF-style: chr16-2122977-C-T.
Other names: c.2348C>T, p.Thr783Ile (NM_001077183.3, NM_001114382.3, NM_001363528.2 and 3 more transcripts); c.2237C>T, p.Thr746Ile (NM_001318827.2); c.2201C>T, p.Thr734Ile (NM_001318829.2); c.1748C>T, p.Thr583Ile (NM_001318831.2); c.2381C>T, p.Thr794Ile (NM_001318832.2); c.2348C>T (NM_000548.4); short protein forms T783I, T734I, T746I, T794I, T583I.
Identifiers: ClinVar variation 135374 (VCV000135374.25), dbSNP rs562945619, ClinGen allele CA017219.
Genomic context (GRCh38, chr16:2,072,976, plus strand): 5'-ACCTGGCCGTGGTTCCAGTGCTGACAGCATTAATCTCTTACCATAACTACCTGGACAAAA[C>T]CAAACAGGTAGGAGGTCAGAGCAGGACAGGCGAGCTTGATGGGGCCTGGGATTCGAGGGC-3'
Protein context (NP_000539.2, residues 773-793): LISYHNYLDK[Thr783Ile]KQREMVYCLE

ClinVar aggregate classification (germline): Benign/Likely benign. Review status: criteria provided, multiple submitters, no conflicts (2 of 4 stars). 10 submissions from 10 submitters: Benign (2); Likely benign (6). 2 of the submissions do not count toward it. Last evaluated 2026-01-31.

Conditions:
TSC2-related disorder. Also called: TSC2-Related Disorders; TSC2-related condition.
Hereditary cancer-predisposing syndrome. Also called: Tumor predisposition; Hereditary neoplastic syndrome; Neoplastic Syndromes, Hereditary; Hereditary Cancer Syndrome. Identifiers: Orphanet 140162, MedGen C0027672, MeSH D009386, MONDO:0015356.
Tuberous sclerosis syndrome (TSC). Also called: Tuberous sclerosis; Tuberous Sclerosis Complex. Identifiers: Orphanet 805, MedGen C0041341, MONDO:0001734.
Tuberous sclerosis 2 (TSC2). Identifiers: Orphanet 805, MedGen C1860707, MONDO:0013199, OMIM 613254.

Allele frequency attached by ClinVar (database versions not stated): TOPMed 0.00001.
gnomAD v4.1: 57 of 1,613,400 alleles (0.0035%); highest among the groups gnomAD compares: South Asian, 0.032%; no homozygotes.

Submissions (10):

Labcorp Genetics (formerly Invitae), Labcorp
Classification: Benign for Tuberous sclerosis 2. Last evaluated: 2026-01-31. Review status: criteria provided, single submitter. Criteria: Invitae Variant Classification Sherloc (09022015). Collection method: clinical testing. Allele origin: germline.

Laboratory of Genetics, Children's Clinical University Hospital Latvia
Classification: Benign. Last evaluated: 2025-02-16. Review status: criteria provided, single submitter. Criteria: ACMG Guidelines, 2015. Collection method: clinical testing. Allele origin: germline. Affected: yes.

Myriad Genetics, Inc.
Classification: Likely benign for Tuberous sclerosis 2. Last evaluated: 2024-08-13. Review status: criteria provided, single submitter. Criteria: Myriad Autosomal Dominant, Autosomal Recessive and X-Linked Classification Criteria (2023). Collection method: clinical testing. Allele origin: unknown.
Comment: This variant is considered likely benign. This variant has been observed at a population frequency that is significantly greater than expected given the associated disease prevalence and penetrance.

Blueprint Genetics
Classification: Likely benign. Last evaluated: 2023-05-05. Review status: criteria provided, single submitter. Criteria: ACMG Guidelines, 2015. Collection method: clinical testing. Allele origin: germline.

Color Diagnostics, LLC DBA Color Health
Classification: Likely benign for Tuberous sclerosis syndrome. Last evaluated: 2022-09-26. Review status: criteria provided, single submitter. Criteria: ACMG Guidelines, 2015. Collection method: clinical testing. Allele origin: germline.

Ambry Genetics
Classification: Likely benign for Hereditary cancer-predisposing syndrome. Last evaluated: 2022-04-27. Review status: criteria provided, single submitter. Criteria: Ambry Variant Classification Scheme 2023. Collection method: clinical testing. Allele origin: germline.

Genome-Nilou Lab
Classification: Likely benign for Tuberous sclerosis 2. Last evaluated: 2021-11-07. Review status: criteria provided, single submitter. Criteria: ACMG Guidelines, 2015. Collection method: clinical testing. Allele origin: germline. Affected: no.

Sema4
Classification: Likely benign for Hereditary cancer-predisposing syndrome. Last evaluated: 2021-06-29. Review status: criteria provided, single submitter. Criteria: Sema4 Curation Guidelines. Collection method: curation. Allele origin: germline.

PreventionGenetics, part of Exact Sciences
Classification: Likely benign for TSC2-related condition. Last evaluated: 2023-12-21. Review status: no assertion criteria provided. Collection method: clinical testing. Allele origin: germline. Not counted in ClinVar's aggregate classification.
Comment: This variant is classified as likely benign based on ACMG/AMP sequence variant interpretation guidelines (Richards et al. 2015 PMID: 25741868, with internal and published modifications).

ITMI
No classification provided. Condition: AllHighlyPenetrant. Last evaluated: 2013-09-19. Review status: no classification provided. Collection method: reference population. Allele origin: germline. Not counted in ClinVar's aggregate classification.
Comment: Please see associated publication for description of ethnicities

Literature cited by the submitters: PubMed 24728327 (cited by ITMI).